The following is an entry in ClinVar:

NM_001112732.3(MCF2L):c.669C>T (p.Thr223=)

Gene: MCF2L (MCF.2 cell line derived transforming sequence like; plus strand). Cytogenetic location: 13q34.
Variant type: single nucleotide variant.
Coding change: c.669C>T on transcript NM_001112732.3 (MANE Select); coding-DNA position 669, C replaced by T.
Protein change: p.Thr223=; no amino-acid change (threonine 223 retained).
Molecular consequence: synonymous variant.
Genome position (GRCh38, 1-based): chr13:113,064,998, C>T. VCF-style: chr13-113064998-C-T. GRCh37 (hg19) VCF-style: chr13-113719312-C-T.
Other names: c.663C>T, p.Thr221= (NM_024979.5, NM_001320815.2, NM_001320817.2); c.681C>T, p.Thr227= (NM_001320816.2); c.582C>T, p.Thr194= (NM_001366644.2); c.555C>T, p.Thr185= (NM_001366645.2, NM_001366646.2).
Identifiers: ClinVar variation 2643973 (VCV002643973.24), dbSNP rs140799215, ClinGen allele CA7058500.

ClinVar aggregate classification (germline): Likely benign (1 of 4 stars; one submission).

Allele frequency attached by ClinVar (database versions not stated): gnomAD exomes 0.00003; ExAC 0.00007; gnomAD 0.00015; TOPMed 0.00017; ESP Exome Variant Server 0.00023.
gnomAD v4.1: 70 of 1,613,028 alleles (0.0043%); highest among the groups gnomAD compares: African/African-American, 0.055%; no homozygotes.

Submission:

CeGaT Center for Human Genetics Tuebingen
Classification: Likely benign. Last evaluated: 2022-05-01. Review status: criteria provided, single submitter. Criteria: CeGaT Center For Human Genetics Tuebingen Variant Classification Criteria Version 2. Collection method: clinical testing. Allele origin: germline. Affected: yes. Observed: 2 variant alleles.
Comment: MCF2L: BP4, BP7